The following is an entry in ClinVar:

ClinVar aggregate classification (germline): Uncertain significance (1 of 4 stars; one submission).

Conditions:
Hereditary cancer-predisposing syndrome. Also called: Hereditary Cancer Syndrome; Neoplastic Syndromes, Hereditary; Tumor predisposition; Hereditary neoplastic syndrome. Identifiers: Orphanet 140162, MedGen C0027672, MeSH D009386, MONDO:0015356.

Submission:

Ambry Genetics
Classification: Uncertain significance for Hereditary cancer-predisposing syndrome. Last evaluated: 2025-10-03. Review status: criteria provided, single submitter. Criteria: Ambry Variant Classification Scheme 2023. Collection method: clinical testing. Allele origin: germline.
Comment: The p.G2869V variant (also known as c.8606G>T), located in coding exon 58 of the ATM gene, results from a G to T substitution at nucleotide position 8606. The glycine at codon 2869 is replaced by valine, an amino acid with dissimilar properties. In an assay testing ATM function, this variant showed a functionally abnormal result (Lee KS et al. Cell, 2025 Sep;188:5081-5099.e27). This amino acid position is highly conserved in available vertebrate species. In addition, this alteration is predicted to be deleterious by in silico analysis. Based on the available evidence, the clinical significance of this variant remains unclear.

Literature cited by the submitters: PubMed 40580951.

NM_000051.4(ATM):c.8606G>T (p.Gly2869Val)

Genes: ATM (ATM serine/threonine kinase; plus strand), C11orf65 (chromosome 11 open reading frame 65; minus strand). Cytogenetic location: 11q22.3.
Variant type: single nucleotide variant.
Coding change: c.8606G>T on transcript NM_000051.4 (MANE Select); coding-DNA position 8606, G replaced by T.
Protein change: p.Gly2869Val; replaces glycine 2869 with valine.
Molecular consequence: missense variant. On other transcripts: intron variant (2).
Genome position (GRCh38, 1-based): chr11:108,347,300, G>T. VCF-style: chr11-108347300-G-T. GRCh37 (hg19) VCF-style: chr11-108218027-G-T.
Other names: c.641-38229C>A (NM_001330368.2); c.695-12008C>A (NM_001351110.2); c.8606G>T, p.Gly2869Val (NM_001351834.2); short protein forms G2869V.
Identifiers: ClinVar variation 4616349 (VCV004616349.1).
Genomic context (GRCh38, chr11:108,347,300, plus strand): 5'-AATCAGTGATTTCAGATTGTTTGTTTCTTTTTTCTCCAGTTGGTTACATACTTGGACTTG[G>T]TGATAGACATGTACAGAATATCTTGATAAATGAGCAGTCAGCAGAACTTGTACATATAGA-3'
Protein context (NP_000042.3, residues 2859-2879): SSIVGYILGL[Gly2869Val]DRHVQNILIN